The following is an entry in ClinVar:

NM_001032283.3(TMPO):c.565+1320A>G

Gene: TMPO (thymopoietin; plus strand). Cytogenetic location: 12q23.1.
Variant type: single nucleotide variant.
Coding change: c.565+1320A>G on transcript NM_001032283.3 (MANE Select); 1320 bases into the intron after coding-DNA position 565, A replaced by G.
Molecular consequence: intron variant. On other transcripts: missense variant (1).
Genome position (GRCh38, 1-based): chr12:98,533,158, A>G. VCF-style: chr12-98533158-A-G. GRCh37 (hg19) VCF-style: chr12-98926936-A-G.
Other names: c.901A>G, p.Ser301Gly (NM_003276.2); c.565+1320A>G (NM_001307975.2, NM_001032284.3); short protein forms S301G.
Identifiers: ClinVar variation 2501738 (VCV002501738.1), dbSNP rs747613142, ClinGen allele CA6732312.

ClinVar aggregate classification (germline): Uncertain significance (1 of 4 stars; one submission).

Allele frequency attached by ClinVar (database versions not stated): ExAC 0.00001; gnomAD exomes 0.00001.
gnomAD v4.1: 20 of 1,614,176 alleles (0.0012%); highest among the groups gnomAD compares: Admixed American, 0.0017%; no homozygotes.

Submission:

Center for Genomics, Ann and Robert H. Lurie Children's Hospital of Chicago
Classification: Uncertain significance. Last evaluated: 2021-03-30. Review status: criteria provided, single submitter. Criteria: ACMG Guidelines, 2015. Collection method: clinical testing. Allele origin: germline.
Comment: TMPO NM_003276.2 exon 4 p.Ser301Gly (c.901A>G): This variant has not been reported in the literature but is present in 0.002% (1/33578) of Latino alleles in the Genome Aggregation Database. Evolutionary conservation and computational predictive tools suggest that this variant may not impact the protein. In summary, data on this variant is insufficient for disease classification. Therefore, the clinical significance of this variant is uncertain.